The following is an entry in ClinVar:

ClinVar aggregate classification (germline): Uncertain significance (1 of 4 stars; one submission).

Allele frequency attached by ClinVar (database versions not stated): gnomAD exomes 0.00002 and 0.00005; ExAC 0.00003.

Submission:

Labcorp Genetics (formerly Invitae), Labcorp
Classification: Uncertain significance. Last evaluated: 2023-11-27. Review status: criteria provided, single submitter. Criteria: Invitae Variant Classification Sherloc (09022015). Collection method: clinical testing. Allele origin: germline.
Comment: This sequence change replaces histidine, which is basic and polar, with tyrosine, which is neutral and polar, at codon 108 of the IL23R protein (p.His108Tyr). This variant is present in population databases (rs757367045, gnomAD 0.04%). This variant has not been reported in the literature in individuals affected with IL23R-related conditions. ClinVar contains an entry for this variant (Variation ID: 1063418). Algorithms developed to predict the effect of missense changes on protein structure and function output the following: SIFT: "Not Available"; PolyPhen-2: "Possibly Damaging"; Align-GVGD: "Not Available". The tyrosine amino acid residue is found in multiple mammalian species, which suggests that this missense change does not adversely affect protein function. In summary, the available evidence is currently insufficient to determine the role of this variant in disease. Therefore, it has been classified as a Variant of Uncertain Significance.

NM_144701.3(IL23R):c.322C>T (p.His108Tyr)

Gene: IL23R (interleukin 23 receptor; plus strand). Cytogenetic location: 1p31.3.
Variant type: single nucleotide variant.
Coding change: c.322C>T on transcript NM_144701.3 (MANE Select); coding-DNA position 322, C replaced by T.
Protein change: p.His108Tyr; replaces histidine 108 with tyrosine.
Molecular consequence: missense variant.
Genome position (GRCh38, 1-based): chr1:67,169,593, C>T. VCF-style: chr1-67169593-C-T. GRCh37 (hg19) VCF-style: chr1-67635276-C-T.
Other names: short protein forms H108Y.
Identifiers: ClinVar variation 1063418 (VCV001063418.9), dbSNP rs757367045, ClinGen allele CA899680.